The following is an entry in ClinVar:

ClinVar aggregate classification (germline): Likely benign (1 of 4 stars; one submission).

Allele frequency attached by ClinVar (database versions not stated): gnomAD exomes 0.00002; TOPMed 0.00015; gnomAD 0.00014.
gnomAD v4.1: 45 of 1,547,066 alleles (0.0029%); highest among the groups gnomAD compares: African/African-American, 0.046%; no homozygotes.

Submission:

GeneDx
Classification: Likely benign. Last evaluated: 2016-12-19. Review status: criteria provided, single submitter. Criteria: GeneDx Variant Classification (06012015). Collection method: clinical testing. Allele origin: germline. Affected: yes.
Comment: This variant is considered likely benign or benign based on one or more of the following criteria: it is a conservative change, it occurs at a poorly conserved position in the protein, it is predicted to be benign by multiple in silico algorithms, and/or has population frequency not consistent with disease.

NM_006096.4(NDRG1):c.*18C>T

Gene: NDRG1 (N-myc downstream regulated 1; minus strand). Cytogenetic location: 8q24.22.
Variant type: single nucleotide variant.
Coding change: c.*18C>T on transcript NM_006096.4 (MANE Select); 18 bases downstream of the stop codon, C replaced by T.
Molecular consequence: 3 prime UTR variant.
Genome position (GRCh38, 1-based): chr8:133,238,860, G>A on the plus strand (C>T on the coding strand, the complement: NDRG1 is on the minus strand). VCF-style: chr8-133238860-G-A. GRCh37 (hg19) VCF-style: chr8-134251103-G-A.
Other names: c.*18C>T (NM_001135242.2, NM_001258432.2, NM_001258433.2 and 4 more transcripts).
Identifiers: ClinVar variation 379727 (VCV000379727.1), dbSNP rs1008102394, ClinGen allele CA16605186.